The following is an entry in ClinVar:

ClinVar aggregate classification (germline): Uncertain significance. Review status: criteria provided, multiple submitters, no conflicts (2 of 4 stars). 2 submissions from 2 submitters: Uncertain significance (2). Last evaluated 2024-01-09.

Allele frequency attached by ClinVar (database versions not stated): gnomAD exomes 0.00001; ExAC 0.00003.

Submissions (2):

Ambry Genetics
Classification: Uncertain significance. Last evaluated: 2024-01-09. Review status: criteria provided, single submitter. Criteria: Ambry Variant Classification Scheme 2023. Collection method: clinical testing. Allele origin: germline.

Labcorp Genetics (formerly Invitae), Labcorp
Classification: Uncertain significance. Last evaluated: 2022-03-29. Review status: criteria provided, single submitter. Criteria: Invitae Variant Classification Sherloc (09022015). Collection method: clinical testing. Allele origin: germline.
Comment: This sequence change replaces alanine, which is neutral and non-polar, with threonine, which is neutral and polar, at codon 123 of the FZD2 protein (p.Ala123Thr). This variant is present in population databases (rs762062345, gnomAD 0.005%). This variant has not been reported in the literature in individuals affected with FZD2-related conditions. Algorithms developed to predict the effect of missense changes on protein structure and function are either unavailable or do not agree on the potential impact of this missense change (SIFT: "Deleterious"; PolyPhen-2: "Benign"; Align-GVGD: "Class C55"). In summary, the available evidence is currently insufficient to determine the role of this variant in disease. Therefore, it has been classified as a Variant of Uncertain Significance.

NM_001466.4(FZD2):c.367G>A (p.Ala123Thr)

Gene: FZD2 (frizzled class receptor 2; plus strand). Cytogenetic location: 17q21.31.
Variant type: single nucleotide variant.
Coding change: c.367G>A on transcript NM_001466.4 (MANE Select); coding-DNA position 367, G replaced by A.
Protein change: p.Ala123Thr; replaces alanine 123 with threonine.
Molecular consequence: missense variant.
Genome position (GRCh38, 1-based): chr17:44,558,055, G>A. VCF-style: chr17-44558055-G-A. GRCh37 (hg19) VCF-style: chr17-42635423-G-A.
Other names: c.367G>A (NM_001466.3); short protein forms A123T.
Identifiers: ClinVar variation 1960309 (VCV001960309.3), dbSNP rs762062345, ClinGen allele CA8604641.